The following is an entry in ClinVar:

NM_001349.4(DARS1):c.1298A>G (p.His433Arg)

Gene: DARS1 (aspartyl-tRNA synthetase 1; minus strand). Cytogenetic location: 2q21.3.
Variant type: single nucleotide variant.
Coding change: c.1298A>G on transcript NM_001349.4 (MANE Select); coding-DNA position 1298, A replaced by G.
Protein change: p.His433Arg; replaces histidine 433 with arginine.
Molecular consequence: missense variant.
Genome position (GRCh38, 1-based): chr2:135,911,426, T>C on the plus strand (A>G on the coding strand, the complement: DARS1 is on the minus strand). VCF-style: chr2-135911426-T-C. GRCh37 (hg19) VCF-style: chr2-136668996-T-C.
Other names: c.998A>G, p.His333Arg (NM_001293312.1); short protein forms H333R, H433R.
Identifiers: ClinVar variation 1702952 (VCV001702952.1), dbSNP rs2104792676, ClinGen allele CA348607625.

ClinVar aggregate classification (germline): Uncertain significance (1 of 4 stars; one submission).

Conditions:
Hypomyelination with brain stem and spinal cord involvement and leg spasticity. Also called: ASPARTYL-tRNA SYNTHETASE DEFICIENCY; Hypomyelination with brainstem and spinal cord involvement and leg spasticity. Identifiers: Orphanet 363412, MedGen C4755254, MONDO:0014115, OMIM 615281.

Allele frequency attached by ClinVar (database versions not stated): gnomAD exomes below 0.00001.
gnomAD v4.1: 2 of 1,069,214 alleles (0.00019%); highest among the groups gnomAD compares: Non-Finnish European, 0.00029%; no homozygotes.

Submission:

Department of Human Genetics, Hannover Medical School
Classification: Uncertain significance for Hypomyelination with brain stem and spinal cord involvement and leg spasticity. Last evaluated: 2022-08-25. Review status: criteria provided, single submitter. Criteria: ACMG Guidelines, 2015. Collection method: clinical testing. Allele origin: germline. Affected: yes.
Comment: The variant is not yet known in the ClinVar and LOVD variant databases or in the literature. It is also not listed in the population database gnomAD. This missense variant affects an evolutionarily highly conserved amino acid. The physicochemical difference between the original (histidine) and the newly evolved amino acid (arginine) is small. In silico analysis of this change using the REVEL program suggests that it may be a pathogenic variant.